The following is an entry in ClinVar:

NM_017950.4(CCDC40):c.163del (p.Glu55fs)

Gene: CCDC40 (coiled-coil domain 40 molecular ruler complex subunit; plus strand). Cytogenetic location: 17q25.3.
Variant type: Deletion.
Coding change: c.163del on transcript NM_017950.4 (MANE Select); coding-DNA position 163, one base deleted (G; older notation c.163delG).
Protein change: p.Glu55fs; shifts the reading frame from glutamic acid 55.
Molecular consequence: frameshift variant.
Genome position (GRCh38, 1-based): chr17:80,039,881, G deleted; the last of 2 consecutive G bases (chr17:80,039,880-80,039,881); deleting either gives the same sequence. VCF-style (leftmost placement, unchanged base first): chr17-80039879-AG-A. GRCh37 (hg19) VCF-style: chr17-78013678-AG-A.
Other names: c.163del, p.Glu55fs (NM_001243342.2, NM_001330508.2); short protein forms E55fs.
Identifiers: ClinVar variation 2129833 (VCV002129833.4), dbSNP rs2510283811, ClinGen allele CA2580095262.
Genomic context (GRCh38, chr17:80,039,879, plus strand): 5'-CACCAGAGAAGGATGATGGCCAGAAAGGTGAAGAAGCTGTCGGTAGCACAGAGCATCCTG[AG>A]GAAGTCACAACCCAAGCGGAAGCTGCAATTGAAGAGGGGGAGGTGGAGACAGAAGGGGAA-3'

ClinVar aggregate classification (germline): Pathogenic (1 of 4 stars; one submission).

Conditions:
Primary ciliary dyskinesia. Also called: Ciliary dyskinesia. Identifiers: Orphanet 244, MedGen C0008780, MONDO:0016575, HP:0012265.

Submission:

Labcorp Genetics (formerly Invitae), Labcorp
Classification: Pathogenic for Primary ciliary dyskinesia. Last evaluated: 2022-04-23. Review status: criteria provided, single submitter. Criteria: Invitae Variant Classification Sherloc (09022015). Collection method: clinical testing. Allele origin: germline.
Comment: For these reasons, this variant has been classified as Pathogenic. This variant has not been reported in the literature in individuals affected with CCDC40-related conditions. This variant is not present in population databases (gnomAD no frequency). This sequence change creates a premature translational stop signal (p.Glu55Lysfs*112) in the CCDC40 gene. It is expected to result in an absent or disrupted protein product. Loss-of-function variants in CCDC40 are known to be pathogenic (PMID: 21131974, 22693285, 23255504).

Literature cited by the submitters: PubMed 21131974; PubMed 22693285; PubMed 23255504.